The following is an entry in ClinVar:

NM_001165963.4(SCN1A):c.2437G>A (p.Ala813Thr)

Gene: SCN1A (sodium voltage-gated channel alpha subunit 1; minus strand). Cytogenetic location: 2q24.3.
Variant type: single nucleotide variant.
Coding change: c.2437G>A on transcript NM_001165963.4 (MANE Select); coding-DNA position 2437, G replaced by A.
Protein change: p.Ala813Thr; replaces alanine 813 with threonine.
Molecular consequence: missense variant. On other transcripts: 5 prime UTR variant (1), non-coding transcript variant (1).
Genome position (GRCh38, 1-based): chr2:166,039,575, C>T on the plus strand (G>A on the coding strand, the complement: SCN1A is on the minus strand). VCF-style: chr2-166039575-C-T. GRCh37 (hg19) VCF-style: chr2-166896085-C-T.
Other names: c.2353G>A, p.Ala785Thr (NM_001165964.3, NM_001353957.2, NM_001353958.2); c.2437G>A, p.Ala813Thr (NM_001202435.3, NM_001353948.2); c.2404G>A, p.Ala802Thr (NM_001353949.2, NM_001353950.2, NM_001353951.2 and 2 more transcripts); c.2401G>A, p.Ala801Thr (NM_001353954.2, NM_001353955.2); c.2350G>A, p.Ala784Thr (NM_001353960.2); c.-6G>A (NM_001353961.2); c.2437G>A (NM_001165963.1); short protein forms A785T, A801T, A784T, A802T, A813T.
Identifiers: ClinVar variation 2915541 (VCV002915541.4), dbSNP rs769586914, ClinGen allele CA1943105.

ClinVar aggregate classification (germline): Uncertain significance. Review status: criteria provided, multiple submitters, no conflicts (2 of 4 stars). 2 submissions from 2 submitters: Uncertain significance (2). Last evaluated 2025-06-24.

Conditions:
Early-infantile DEE. Also called: Early infantile epileptic encephalopathy; Early infantile epileptic encephalopathy with suppression bursts; Ohtahara syndrome. Identifiers: Orphanet 1934, MedGen C0393706, MONDO:0800491.

Allele frequency attached by ClinVar (database versions not stated): gnomAD exomes below 0.00001; ExAC 0.00001.
gnomAD v4.1: 6 of 1,613,786 alleles (0.00037%); highest among the groups gnomAD compares: Non-Finnish European, 0.00051%; no homozygotes.

Submissions (2):

GeneDx
Classification: Uncertain significance. Last evaluated: 2025-06-24. Review status: criteria provided, single submitter. Criteria: GeneDx Variant Classification Process June 2021. Collection method: clinical testing. Allele origin: germline. Affected: yes.
Comment: Not observed at significant frequency in large population cohorts (gnomAD); In silico analysis supports that this missense variant has a deleterious effect on protein structure/function; Has not been previously published as pathogenic or benign to our knowledge; This substitution is predicted to be within the transmembrane segment S2 of the second homologous domain

Labcorp Genetics (formerly Invitae), Labcorp
Classification: Uncertain significance for Early-infantile DEE. Last evaluated: 2024-08-06. Review status: criteria provided, single submitter. Criteria: Invitae Variant Classification Sherloc (09022015). Collection method: clinical testing. Allele origin: germline.
Comment: This sequence change replaces alanine, which is neutral and non-polar, with threonine, which is neutral and polar, at codon 813 of the SCN1A protein (p.Ala813Thr). This variant is present in population databases (rs769586914, gnomAD 0.002%). This variant has not been reported in the literature in individuals affected with SCN1A-related conditions. Advanced modeling of protein sequence and biophysical properties (such as structural, functional, and spatial information, amino acid conservation, physicochemical variation, residue mobility, and thermodynamic stability) performed at Invitae indicates that this missense variant is expected to disrupt SCN1A protein function with a positive predictive value of 95%. In summary, the available evidence is currently insufficient to determine the role of this variant in disease. Therefore, it has been classified as a Variant of Uncertain Significance.